The following is an entry in ClinVar:

ClinVar aggregate classification (germline): Pathogenic. Review status: criteria provided, multiple submitters, no conflicts (2 of 4 stars). 2 submissions from 2 submitters: Pathogenic (2). Last evaluated 2023-07-25.

Conditions:
Early-infantile DEE. Also called: Ohtahara syndrome; Early infantile epileptic encephalopathy; Early infantile epileptic encephalopathy with suppression bursts. Identifiers: Orphanet 1934, MedGen C0393706, MONDO:0800491.

Submissions (2):

Labcorp Genetics (formerly Invitae), Labcorp
Classification: Pathogenic for Early-infantile DEE. Last evaluated: 2023-07-25. Review status: criteria provided, single submitter. Criteria: Invitae Variant Classification Sherloc (09022015). Collection method: clinical testing. Allele origin: germline.
Comment: For these reasons, this variant has been classified as Pathogenic. ClinVar contains an entry for this variant (Variation ID: 206766). This premature translational stop signal has been observed in individual(s) with autosomal dominant developmental and epileptic encephalopathy (PMID: 18930999, 31487502). This variant is not present in population databases (gnomAD no frequency). This sequence change creates a premature translational stop signal (p.Gln450*) in the SCN1A gene. It is expected to result in an absent or disrupted protein product. Loss-of-function variants in SCN1A are known to be pathogenic (PMID: 17347258, 18930999).

GeneDx
Classification: Pathogenic. Last evaluated: 2017-03-31. Review status: criteria provided, single submitter. Criteria: GeneDx Variant Classification (06012015). Collection method: clinical testing. Allele origin: germline. Affected: yes.
Comment: p.Gln450Stop (CAG>TAG): c.1348 C>T in exon 9 of the SCN1A gene (NM_001165963.1) The Gln450Stop nonsense mutation in the SCN1A gene has been reported previously as a de novo mutation in association with Dravet syndrome (Depienne et al., 2009). This mutation is predicted to cause loss of normal protein function either through protein truncation or nonsense-mediated mRNA decay. The variant is found in INFANT-EPI panel(s).

Literature cited by the submitters: PubMed 18930999 (cited by Labcorp Genetics (formerly Invitae), Labcorp); PubMed 31487502 (cited by Labcorp Genetics (formerly Invitae), Labcorp); PubMed 17347258 (cited by Labcorp Genetics (formerly Invitae), Labcorp).

NM_001165963.4(SCN1A):c.1348C>T (p.Gln450Ter)

Gene: SCN1A (sodium voltage-gated channel alpha subunit 1; minus strand). Cytogenetic location: 2q24.3.
Variant type: single nucleotide variant.
Coding change: c.1348C>T on transcript NM_001165963.4 (MANE Select); coding-DNA position 1348, C replaced by T.
Protein change: p.Gln450Ter; replaces glutamine 450 with a stop codon.
Molecular consequence: nonsense. On other transcripts: 5 prime UTR variant (1), non-coding transcript variant (1).
Genome position (GRCh38, 1-based): chr2:166,046,799, G>A on the plus strand (C>T on the coding strand, the complement: SCN1A is on the minus strand). VCF-style: chr2-166046799-G-A. GRCh37 (hg19) VCF-style: chr2-166903309-G-A.
Other names: p.Q450*:CAG>TAG; c.1348C>T, p.Gln450Ter (NM_001165964.3, NM_001202435.3, NM_001353948.2 and 10 more transcripts); c.-1078C>T (NM_001353961.2); short protein forms Q450*.
Identifiers: ClinVar variation 206766 (VCV000206766.5), dbSNP rs796052976, ClinGen allele CA317229.